The following is an entry in ClinVar:

NM_006514.4(SCN10A):c.1277G>A (p.Arg426Gln)

Gene: SCN10A (sodium voltage-gated channel alpha subunit 10; minus strand). Cytogenetic location: 3p22.2.
Variant type: single nucleotide variant.
Coding change: c.1277G>A on transcript NM_006514.4 (MANE Select); coding-DNA position 1277, G replaced by A.
Protein change: p.Arg426Gln; replaces arginine 426 with glutamine.
Molecular consequence: missense variant.
Genome position (GRCh38, 1-based): chr3:38,756,687, C>T on the plus strand (G>A on the coding strand, the complement: SCN10A is on the minus strand). VCF-style: chr3-38756687-C-T. GRCh37 (hg19) VCF-style: chr3-38798178-C-T.
Other names: c.1277G>A, p.Arg426Gln (NM_001293306.2, NM_001293307.2); short protein forms R426Q.
Identifiers: ClinVar variation 240662 (VCV000240662.14), dbSNP rs143033805, ClinGen allele CA2320924.

ClinVar aggregate classification (germline): Likely benign. Review status: criteria provided, multiple submitters, no conflicts (2 of 4 stars). 5 submissions from 5 submitters: Likely benign (5). Last evaluated 2026-09-24.

Conditions:
SCN10A-related disorder. Also called: SCN10A-related condition.
Cardiovascular phenotype. Identifiers: MedGen CN230736.
Episodic pain syndrome, familial, 2 (FEPS2). Identifiers: Orphanet 306577, MedGen C3809893, MONDO:0014246, OMIM 615551.
Brugada syndrome. Also called: Sudden unexpected nocturnal death syndrome; Sudden unexplained nocturnal death syndrome; Sudden Unexplained Death Syndrome; Sudden Unexplained Nocturnal Death Syndrome (SUNDS). Identifiers: Orphanet 130, MedGen C1142166, MONDO:0015263.

Allele frequency attached by ClinVar (database versions not stated): gnomAD 0.00011 and 0.00014; TOPMed 0.00012; ESP Exome Variant Server 0.00015; gnomAD exomes 0.00026; ExAC 0.00029; 1000 Genomes Project 0.00040; 1000 Genomes Project 30x 0.00047.
gnomAD v4.1: 133 of 1,613,348 alleles (0.0082%); highest among the groups gnomAD compares: East Asian, 0.23%; 1 homozygote.

Submissions (5):

PreventionGenetics, part of Exact Sciences
Classification: Likely benign for SCN10A-related condition. Last evaluated: 2026-09-24. Review status: criteria provided, single submitter. Criteria: ACMG Guidelines, 2015. Collection method: clinical testing. Allele origin: germline.
Comment: This variant is classified as likely benign based on ACMG/AMP sequence variant interpretation guidelines (Richards et al. 2015 PMID: 25741868, with internal and published modifications).

Labcorp Genetics (formerly Invitae), Labcorp
Classification: Likely benign for Brugada syndrome. Last evaluated: 2025-12-16. Review status: criteria provided, single submitter. Criteria: Invitae Variant Classification Sherloc (09022015). Collection method: clinical testing. Allele origin: germline.

Fulgent Genetics
Classification: Likely benign for Episodic pain syndrome, familial, 2. Last evaluated: 2021-07-02. Review status: criteria provided, single submitter. Criteria: ACMG Guidelines, 2015. Collection method: clinical testing. Allele origin: unknown.

Ambry Genetics
Classification: Likely benign for Cardiovascular phenotype. Last evaluated: 2019-08-13. Review status: criteria provided, single submitter. Criteria: Ambry Variant Classification Scheme 2023. Collection method: clinical testing. Allele origin: germline.

GeneDx
Classification: Likely benign. Last evaluated: 2019-01-17. Review status: criteria provided, single submitter. Criteria: GeneDx Variant Classification Process June 2021. Collection method: clinical testing. Allele origin: germline. Affected: yes.
Comment: See Variant Classification Assertion Criteria.